The following is an entry in ClinVar:

ClinVar aggregate classification (germline): Conflicting classifications of pathogenicity. Review status: criteria provided, conflicting classifications (1 of 4 stars). 5 submissions from 5 submitters: Uncertain significance (3); Benign (1). 1 of the submissions does not count toward it. Last evaluated 2025-11-15.

Conditions:
TNS2-related disorder. Also called: TNS2-related condition.

Allele frequency attached by ClinVar (database versions not stated): gnomAD 0.00048 and 0.00052; ESP Exome Variant Server 0.00054; TOPMed 0.00066; ExAC 0.00070; gnomAD exomes 0.00079 and 0.00045; 1000 Genomes Project 30x 0.00031; 1000 Genomes Project 0.00040.

Submissions (5):

Labcorp Genetics (formerly Invitae), Labcorp
Classification: Benign. Last evaluated: 2025-11-15. Review status: criteria provided, single submitter. Criteria: Invitae Variant Classification Sherloc (09022015). Collection method: clinical testing. Allele origin: germline.

Ambry Genetics
Classification: Uncertain significance. Last evaluated: 2021-10-22. Review status: criteria provided, single submitter. Criteria: Ambry Variant Classification Scheme 2023. Collection method: clinical testing. Allele origin: germline.

CeGaT Center for Human Genetics Tuebingen
Classification: Uncertain significance. Last evaluated: 2019-01-01. Review status: criteria provided, single submitter. Criteria: CeGaT Center For Human Genetics Tuebingen Variant Classification Criteria Version 2. Collection method: clinical testing. Allele origin: germline. Affected: yes. Observed: 1 variant allele.

Breakthrough Genomics
Classification: Uncertain significance. Review status: criteria provided, single submitter. Criteria: ACMG Guidelines, 2015. Collection method: not provided. Allele origin: germline. Inheritance: Unknown mechanism. Affected: yes.

PreventionGenetics, part of Exact Sciences
Classification: Benign for TNS2-related condition. Last evaluated: 2019-09-19. Review status: no assertion criteria provided. Collection method: clinical testing. Allele origin: germline. Not counted in ClinVar's aggregate classification.
Comment: This variant is classified as benign based on ACMG/AMP sequence variant interpretation guidelines (Richards et al. 2015 PMID: 25741868, with internal and published modifications).

NM_170754.4(TNS2):c.3248G>A (p.Gly1083Glu)

Gene: TNS2 (tensin 2; plus strand). Cytogenetic location: 12q13.13.
Variant type: single nucleotide variant.
Coding change: c.3248G>A on transcript NM_170754.4 (MANE Select); coding-DNA position 3248, G replaced by A.
Protein change: p.Gly1083Glu; replaces glycine 1083 with glutamic acid.
Molecular consequence: missense variant.
Genome position (GRCh38, 1-based): chr12:53,061,154, G>A. VCF-style: chr12-53061154-G-A. GRCh37 (hg19) VCF-style: chr12-53454938-G-A.
Other names: c.3248G>A, p.Gly1083Glu (NM_001416202.1); c.3206G>A, p.Gly1069Glu (NM_001416203.1); c.3275G>A, p.Gly1092Glu (NM_001416204.1); c.3179G>A, p.Gly1060Glu (NM_015319.3); c.2876G>A, p.Gly959Glu (NM_198316.2); short protein forms G959E, G1083E, G1093E, G1060E, G1069E, G1092E.
Identifiers: ClinVar variation 806895 (VCV000806895.50), dbSNP rs139881378, ClinGen allele CA6592795.